The following is an entry in ClinVar:

ClinVar aggregate classification (germline): Uncertain significance. Review status: criteria provided, multiple submitters, no conflicts (2 of 4 stars). 4 submissions from 4 submitters: Uncertain significance (4). Last evaluated 2025-06-03.

Conditions:
Early-infantile DEE. Also called: Early infantile epileptic encephalopathy; Ohtahara syndrome; Early infantile epileptic encephalopathy with suppression bursts. Identifiers: Orphanet 1934, MedGen C0393706, MONDO:0800491.
Developmental and epileptic encephalopathy, 13 (DEE13). Also called: Early infantile epileptic encephalopathy 13; SCN8A-Related Epilepsy; Developmental and Epileptic Encephalopathy (SCN8A-DEE). Identifiers: Orphanet 442835, MedGen C3281191, MONDO:0013801, OMIM 614558.

Submissions (4):

Labcorp Genetics (formerly Invitae), Labcorp
Classification: Uncertain significance for Early-infantile DEE. Last evaluated: 2025-06-03. Review status: criteria provided, single submitter. Criteria: Invitae Variant Classification Sherloc (09022015). Collection method: clinical testing. Allele origin: germline.
Comment: This sequence change replaces glycine, which is neutral and non-polar, with alanine, which is neutral and non-polar, at codon 1050 of the SCN8A protein (p.Gly1050Ala). This variant is not present in population databases (gnomAD no frequency). This variant has not been reported in the literature in individuals affected with SCN8A-related conditions. ClinVar contains an entry for this variant (Variation ID: 1176944). Invitae Evidence Modeling of protein sequence and biophysical properties (such as structural, functional, and spatial information, amino acid conservation, physicochemical variation, residue mobility, and thermodynamic stability) indicates that this missense variant is not expected to disrupt SCN8A protein function with a negative predictive value of 95%. In summary, the available evidence is currently insufficient to determine the role of this variant in disease. Therefore, it has been classified as a Variant of Uncertain Significance.

Revvity Omics, Revvity
Classification: Uncertain significance. Last evaluated: 2023-11-03. Review status: criteria provided, single submitter. Criteria: ACMG Guidelines, 2015. Collection method: clinical testing. Allele origin: germline.

3billion
Classification: Uncertain significance for Developmental and epileptic encephalopathy, 13. Last evaluated: 2023-08-08. Review status: criteria provided, single submitter. Criteria: ACMG Guidelines, 2015. Collection method: clinical testing. Allele origin: germline. Affected: yes.
Comment: The variant is not observed in the gnomAD v2.1.1 dataset. Predicted Consequence/Location: Missense changes are a common disease-causing mechanism. A different missense change at the same codon (p.Gly1050Ser) has been reported to be associated with SCN8A-related disorder (PMID: 25666757). However the evidence of pathogenicity is insufficient at this time. Therefore, this variant is classified as uncertain significance according to the recommendation of ACMG/AMP guideline.

CeGaT Center for Human Genetics Tuebingen
Classification: Uncertain significance. Last evaluated: 2022-02-01. Review status: criteria provided, single submitter. Criteria: CeGaT Center For Human Genetics Tuebingen Variant Classification Criteria Version 2. Collection method: clinical testing. Allele origin: germline. Affected: yes. Observed: 2 variant alleles.

Literature cited by the submitters: PubMed 25666757 (cited by 3billion).

NM_001330260.2(SCN8A):c.3149G>C (p.Gly1050Ala)

Gene: SCN8A (sodium voltage-gated channel alpha subunit 8; plus strand). Cytogenetic location: 12q13.13.
Variant type: single nucleotide variant.
Coding change: c.3149G>C on transcript NM_001330260.2 (MANE Select); coding-DNA position 3149, G replaced by C.
Protein change: p.Gly1050Ala; replaces glycine 1050 with alanine.
Molecular consequence: missense variant.
Genome position (GRCh38, 1-based): chr12:51,769,112, G>C. VCF-style: chr12-51769112-G-C. GRCh37 (hg19) VCF-style: chr12-52162896-G-C.
Other names: c.3149G>C, p.Gly1050Ala (NM_001177984.3, NM_001369788.1, NM_014191.4); c.3149G>C (NM_014191.3); short protein forms G1050A.
Identifiers: ClinVar variation 1176944 (VCV001176944.48), dbSNP rs2138868637, ClinGen allele CA384892707.